The following is an entry in ClinVar:

ClinVar aggregate classification (germline): Likely pathogenic (1 of 4 stars; one submission).

Conditions:
Methylmalonic aciduria due to methylmalonyl-CoA mutase deficiency (MAMM). Also called: Methylmalonic aciduria, mut type. Identifiers: Orphanet 27, MedGen C1855114, MONDO:0009612, OMIM 251000.

Submission:

Neuberg Centre For Genomic Medicine, NCGM
Classification: Likely pathogenic for Methylmalonic aciduria due to methylmalonyl-CoA mutase deficiency. Review status: criteria provided, single submitter. Criteria: ACMG Guidelines, 2015. Collection method: clinical testing. Allele origin: germline. Inheritance: Autosomal recessive inheritance. Affected: yes.
Comment: The frameshift deletion p.Tyr146Terfs in MMUT (NM_000255.4) has not been reported previously as a pathogenic variant nor as a benign variant, to our knowledge. The p.Tyr146Terfs variant is novel (not in any individuals) in gnomAD Exomes and is novel (not in any individuals) in 1000 Genomes. This variant is predicted to cause loss of normal protein function through protein truncation caused a frameshift mutation. The frame shifted sequence continues fs residues until a stop codon is reached. Loss of function variants have been previously reported to be disease causing. For these reasons, this variant has been classified as Likely Pathogenic.

NM_000255.4(MMUT):c.438del (p.Gly145_Tyr146insTer)

Gene: MMUT (methylmalonyl-CoA mutase; minus strand). Cytogenetic location: 6p12.3.
Variant type: Deletion.
Coding change: c.438del on transcript NM_000255.4 (MANE Select); coding-DNA position 438, one base deleted (T; older notation c.438delT).
Protein change: p.Gly145_Tyr146insTer.
Molecular consequence: nonsense.
Genome position (GRCh38, 1-based): chr6:49,458,006, A deleted on the plus strand (T on the coding strand, the reverse complement: MMUT is on the minus strand). VCF-style (leftmost placement, unchanged base first): chr6-49458005-CA-C. GRCh37 (hg19) VCF-style: chr6-49425718-CA-C.
Other names: c.438delT (NM_000255.4).
Identifiers: ClinVar variation 2585581 (VCV002585581.1), dbSNP rs2481347699, ClinGen allele CA2582341703.